The following is an entry in ClinVar:

ClinVar aggregate classification (germline): Uncertain significance (1 of 4 stars; one submission).

Allele frequency attached by ClinVar (database versions not stated): gnomAD exomes below 0.00001; TOPMed below 0.00001; ExAC 0.00001; gnomAD 0.00001.
gnomAD v4.1: 3 of 1,450,548 alleles (0.00021%); highest among the groups gnomAD compares: Admixed American, 0.0033%; no homozygotes.

Submission:

Women's Health and Genetics/Laboratory Corporation of America, LabCorp
Classification: Uncertain significance. Last evaluated: 2024-03-05. Review status: criteria provided, single submitter. Criteria: LabCorp Variant Classification Summary - May 2015. Collection method: clinical testing. Allele origin: germline.
Comment: Variant summary: CD96 c.1370-14T>A alters a non-conserved nucleotide located at a position not widely known to affect splicing. Several computational tools predict a significant impact on normal splicing: Three predict the variant weakens a 3' acceptor site. However, these predictions have yet to be confirmed by functional studies. The variant allele was found at a frequency of 8e-06 in 251298 control chromosomes. The available data on variant occurrences in the general population are insufficient to allow any conclusion about variant significance. To our knowledge, no occurrence of c.1370-14T>A in individuals affected with C Syndrome and no experimental evidence demonstrating its impact on protein function have been reported. No submitters have cited clinical-significance assessments for this variant to ClinVar. Based on the evidence outlined above, the variant was classified as uncertain significance.

NM_005816.5(CD96):c.1322-14T>A

Gene: CD96 (CD96 molecule; plus strand). Cytogenetic location: 3q13.2.
Variant type: single nucleotide variant.
Coding change: c.1322-14T>A on transcript NM_005816.5 (MANE Select); 14 bases into the intron before coding-DNA position 1322, T replaced by A.
Molecular consequence: intron variant.
Genome position (GRCh38, 1-based): chr3:111,637,182, T>A. VCF-style: chr3-111637182-T-A. GRCh37 (hg19) VCF-style: chr3-111356029-T-A.
Other names: c.1370-14T>A (NM_198196.3); c.1322-17T>A (NM_001410800.1).
Identifiers: ClinVar variation 3233653 (VCV003233653.2), dbSNP rs758263219, ClinGen allele CA2534758.